The following is an entry in ClinVar:

ClinVar aggregate classification (germline): Conflicting classifications of pathogenicity. Review status: criteria provided, conflicting classifications (1 of 4 stars). 9 submissions from 9 submitters: Uncertain significance (4); Likely benign (3). 2 of the submissions do not count toward it. Last evaluated 2026-08-03.

Conditions:
CPLANE1-related disorder. Also called: CPLANE1-related condition.
Joubert syndrome 17 (JBTS17). Identifiers: Orphanet 475, MedGen C3553264, MONDO:0013824, OMIM 614615.

Allele frequency attached by ClinVar (database versions not stated): 1000 Genomes Project 0.00020; 1000 Genomes Project 30x 0.00031; ESP Exome Variant Server 0.00054; gnomAD 0.00088 and 0.00090; gnomAD exomes 0.00090 and 0.00152; ExAC 0.00094; TOPMed 0.00097.
gnomAD v4.1: 2,347 of 1,614,176 alleles (0.15%); highest among the groups gnomAD compares: Non-Finnish European, 0.18%; 4 homozygotes.

Submissions (9):

PreventionGenetics, part of Exact Sciences
Classification: Uncertain significance for CPLANE1-related condition. Last evaluated: 2026-08-03. Review status: criteria provided, single submitter. Criteria: ACMG Guidelines, 2015. Collection method: clinical testing. Allele origin: germline.
Comment: The CPLANE1 c.9292G>A variant is predicted to result in the amino acid substitution p.Gly3098Arg. In the literature, this variant has also been reported as c.5986G>A (p.Gly1996Arg), g.37108520, and C50rf42-G3098R. This variant has been reported along with another variant in CPLANE1, in an individual with focal segmental glomerulosclerosis and in a control individual (Table S4, S86 and Sample_CG33270, Wang et al. 2019. PubMed ID: 31308072). This variant was also reported as being paternally-inherited in an individual with autism spectrum disorder (Mercati et al. 2016. PubMed ID: 27166760). This variant is reported in 0.13% of alleles in individuals of Latino descent in gnomAD, which is more common than expected for a primary cause of disease. Although we suspect that this variant may be benign, at this time, the clinical significance of this variant is uncertain due to the absence of conclusive functional and genetic evidence.

Labcorp Genetics (formerly Invitae), Labcorp
Classification: Likely benign. Last evaluated: 2026-01-28. Review status: criteria provided, single submitter. Criteria: Invitae Variant Classification Sherloc (09022015). Collection method: clinical testing. Allele origin: germline.

GeneDx
Classification: Uncertain significance. Last evaluated: 2025-03-18. Review status: criteria provided, single submitter. Criteria: GeneDx Variant Classification Process June 2021. Collection method: clinical testing. Allele origin: germline. Affected: yes.
Comment: In silico analysis supports that this missense variant does not alter protein structure/function; This variant is associated with the following publications: (PMID: 31308072)

Laboratory of Genetics, Children's Clinical University Hospital Latvia
Classification: Likely benign. Last evaluated: 2025-02-16. Review status: criteria provided, single submitter. Criteria: ACMG Guidelines, 2015. Collection method: clinical testing. Allele origin: germline. Affected: yes.

Blueprint Genetics
Classification: Likely benign. Last evaluated: 2024-11-21. Review status: criteria provided, single submitter. Criteria: ACMG Guidelines, 2015. Collection method: clinical testing. Allele origin: germline.

Center for Pediatric Genomic Medicine, Children's Mercy Hospital and Clinics
Classification: Uncertain significance. Last evaluated: 2017-06-02. Review status: criteria provided, single submitter. Criteria: ACMG Guidelines, 2015. Collection method: clinical testing. Allele origin: germline.

Illumina Laboratory Services, Illumina
Classification: Uncertain significance for Joubert syndrome 17. Last evaluated: 2017-04-27. Review status: criteria provided, single submitter. Criteria: ICSL Variant Classification Criteria 13 December 2019. Collection method: clinical testing. Allele origin: germline.
Comment: This variant was observed as part of a predisposition screen in an ostensibly healthy population. A literature search was performed for the gene, cDNA change, and amino acid change (where applicable). Publications were found based on this search. However, the evidence from the literature, in combination with allele frequency data from public databases where available, was not sufficient to rule this variant in or out of causing disease. Therefore, this variant is classified as a variant of unknown significance.

Clinical Genetics DNA and cytogenetics Diagnostics Lab, Erasmus MC, Erasmus Medical Center
Classification: Uncertain significance. Review status: no assertion criteria provided. Collection method: clinical testing. Allele origin: germline. Affected: yes. Study: VKGL Data-share Consensus. Not counted in ClinVar's aggregate classification.

Clinical Genetics, Academic Medical Center
Classification: Uncertain significance. Review status: no assertion criteria provided. Collection method: clinical testing. Allele origin: germline. Affected: yes. Study: VKGL Data-share Consensus. Not counted in ClinVar's aggregate classification.

Literature cited by the submitters: PubMed 27166760 (cited by Illumina Laboratory Services, Illumina).

NM_001384732.1(CPLANE1):c.9454G>A (p.Gly3152Arg)

Gene: CPLANE1 (ciliogenesis and planar polarity effector complex subunit 1; minus strand). Cytogenetic location: 5p13.2.
Variant type: single nucleotide variant.
Coding change: c.9454G>A on transcript NM_001384732.1 (MANE Select); coding-DNA position 9454, G replaced by A.
Protein change: p.Gly3152Arg; replaces glycine 3152 with arginine.
Molecular consequence: missense variant.
Genome position (GRCh38, 1-based): chr5:37,108,418, C>T on the plus strand (G>A on the coding strand, the complement: CPLANE1 is on the minus strand). VCF-style: chr5-37108418-C-T. GRCh37 (hg19) VCF-style: chr5-37108520-C-T.
Other names: c.9292G>A, p.Gly3098Arg (NM_023073.4); short protein forms G3098R, G3152R.
Identifiers: ClinVar variation 385186 (VCV000385186.30), dbSNP rs144081297, ClinGen allele CA3237441.